The following is an entry in ClinVar:

NM_004393.6(DAG1):c.409C>G (p.Arg137Gly)

Gene: DAG1 (dystroglycan 1; plus strand). Cytogenetic location: 3p21.31.
Variant type: single nucleotide variant.
Coding change: c.409C>G on transcript NM_004393.6 (MANE Select); coding-DNA position 409, C replaced by G.
Protein change: p.Arg137Gly; replaces arginine 137 with glycine.
Molecular consequence: missense variant.
Genome position (GRCh38, 1-based): chr3:49,530,920, C>G. VCF-style: chr3-49530920-C-G. GRCh37 (hg19) VCF-style: chr3-49568353-C-G.
Other names: c.409C>G, p.Arg137Gly (NM_001177636.3, NM_001177637.3, NM_001177638.3 and 9 more transcripts); short protein forms R137G.
Identifiers: ClinVar variation 3761476 (VCV003761476.3).

ClinVar aggregate classification (germline): Uncertain significance. Review status: criteria provided, multiple submitters, no conflicts (2 of 4 stars). 2 submissions from 2 submitters: Uncertain significance (2). Last evaluated 2025-03-18.

Conditions:
Muscular dystrophy-dystroglycanopathy (congenital with brain and eye anomalies), type A9. Also called: WALKER-WARBURG SYNDROME OR MUSCLE-EYE BRAIN DISEASE, DAG1-RELATED; Muscular dystrophy-dystroglycanopathy (congenital with brain and eye anomalies), type a, 9. Identifiers: Orphanet 370997, Orphanet 899, MedGen C4225291, MONDO:0014683, OMIM 616538.
Autosomal recessive limb-girdle muscular dystrophy type 2P. Also called: MUSCULAR DYSTROPHY-DYSTROGLYCANOPATHY, LIMB-GIRDLE, DAG1-RELATED; MUSCULAR DYSTROPHY, LIMB-GIRDLE, TYPE 2P; Limb-Girdle Muscular Dystrophy Type 9C. Identifiers: Orphanet 280333, MedGen C4511963, MONDO:0013440, OMIM 613818.

gnomAD v4.1: 11 of 1,614,032 alleles (0.00068%); highest among the groups gnomAD compares: Non-Finnish European, 0.00085%; no homozygotes.

Submissions (2):

Revvity Omics, Revvity
Classification: Uncertain significance. Last evaluated: 2025-03-18. Review status: criteria provided, single submitter. Criteria: ACMG Guidelines, 2015. Collection method: clinical testing. Allele origin: germline.

Labcorp Genetics (formerly Invitae), Labcorp
Classification: Uncertain significance for Autosomal recessive limb-girdle muscular dystrophy type 2P; Muscular dystrophy-dystroglycanopathy (congenital with brain and eye anomalies), type A9. Last evaluated: 2024-11-29. Review status: criteria provided, single submitter. Criteria: Invitae Variant Classification Sherloc (09022015). Collection method: clinical testing. Allele origin: germline.
Comment: This sequence change replaces arginine, which is basic and polar, with glycine, which is neutral and non-polar, at codon 137 of the DAG1 protein (p.Arg137Gly). This variant is present in population databases (no rsID available, gnomAD 0.002%). This variant has not been reported in the literature in individuals affected with DAG1-related conditions. Invitae Evidence Modeling of protein sequence and biophysical properties (such as structural, functional, and spatial information, amino acid conservation, physicochemical variation, residue mobility, and thermodynamic stability) indicates that this missense variant is not expected to disrupt DAG1 protein function with a negative predictive value of 80%. In summary, the available evidence is currently insufficient to determine the role of this variant in disease. Therefore, it has been classified as a Variant of Uncertain Significance.